The following is an entry in ClinVar:

ClinVar aggregate classification (germline): Uncertain significance. Review status: criteria provided, multiple submitters, no conflicts (2 of 4 stars). 3 submissions from 3 submitters: Uncertain significance (2). 1 of the submissions does not count toward it. Last evaluated 2025-01-06.

Conditions:
CTDP1-related disorder. Also called: CTDP1-related condition.

Allele frequency attached by ClinVar (database versions not stated): gnomAD exomes 0.00014; 1000 Genomes Project 30x 0.00016; gnomAD 0.00009; TOPMed 0.00010.

Submissions (3):

Labcorp Genetics (formerly Invitae), Labcorp
Classification: Uncertain significance. Last evaluated: 2025-01-06. Review status: criteria provided, single submitter. Criteria: Invitae Variant Classification Sherloc (09022015). Collection method: clinical testing. Allele origin: germline.
Comment: This sequence change replaces arginine, which is basic and polar, with glutamine, which is neutral and polar, at codon 889 of the CTDP1 protein (p.Arg889Gln). This variant is present in population databases (rs112476862, gnomAD 0.01%). This variant has not been reported in the literature in individuals affected with CTDP1-related conditions. ClinVar contains an entry for this variant (Variation ID: 2041492). An algorithm developed to predict the effect of missense changes on protein structure and function (PolyPhen-2) suggests that this variant¬†is likely to be tolerated. In summary, the available evidence is currently insufficient to determine the role of this variant in disease. Therefore, it has been classified as a Variant of Uncertain Significance.

Ambry Genetics
Classification: Uncertain significance. Last evaluated: 2024-01-17. Review status: criteria provided, single submitter. Criteria: Ambry Variant Classification Scheme 2023. Collection method: clinical testing. Allele origin: germline.

PreventionGenetics, part of Exact Sciences
Classification: Uncertain significance for CTDP1-related condition. Last evaluated: 2024-04-09. Review status: no assertion criteria provided. Collection method: clinical testing. Allele origin: germline. Not counted in ClinVar's aggregate classification.
Comment: The CTDP1 c.2666G>A variant is predicted to result in the amino acid substitution p.Arg889Gln. To our knowledge, this variant has not been reported in the literature. This variant is reported in 0.013% of alleles in individuals of European (Non-Finnish) descent in gnomAD. At this time, the clinical significance of this variant is uncertain due to the absence of conclusive functional and genetic evidence.

NM_004715.5(CTDP1):c.2666G>A (p.Arg889Gln)

Gene: CTDP1 (CTD phosphatase subunit 1; plus strand). Cytogenetic location: 18q23.
Variant type: single nucleotide variant.
Coding change: c.2666G>A on transcript NM_004715.5 (MANE Select); coding-DNA position 2666, G replaced by A.
Protein change: p.Arg889Gln; replaces arginine 889 with glutamine.
Molecular consequence: missense variant. On other transcripts: intron variant (1).
Genome position (GRCh38, 1-based): chr18:79,736,440, G>A. VCF-style: chr18-79736440-G-A. GRCh37 (hg19) VCF-style: chr18-77496440-G-A.
Other names: c.2309G>A, p.Arg770Gln (NM_001202504.1); c.2503G>A, p.Gly835Arg (NM_048368.4); c.2580+7371G>A (NM_001318511.2); short protein forms R889Q, G835R, R770Q.
Identifiers: ClinVar variation 2041492 (VCV002041492.4), dbSNP rs112476862, ClinGen allele CA303785709.